The following is an entry in ClinVar:

NM_000545.8(HNF1A):c.1309+16T>C

Gene: HNF1A (HNF1 homeobox A; plus strand). Cytogenetic location: 12q24.31.
Variant type: single nucleotide variant.
Coding change: c.1309+16T>C on transcript NM_000545.8 (MANE Select); 16 bases into the intron after coding-DNA position 1309, T replaced by C.
Molecular consequence: intron variant.
Genome position (GRCh38, 1-based): chr12:120,996,758, T>C. VCF-style: chr12-120996758-T-C. GRCh37 (hg19) VCF-style: chr12-121434561-T-C.
Other names: c.1309+16T>C (NM_001306179.2, NM_001406915.1).
Identifiers: ClinVar variation 2682388 (VCV002682388.3), dbSNP rs1877124452, ClinGen allele CA2067684184.

ClinVar aggregate classification (germline): Conflicting classifications of pathogenicity. Review status: criteria provided, conflicting classifications (1 of 4 stars). 3 submissions from 3 submitters: Uncertain significance (1); Likely benign (2). Last evaluated 2025-03-09.

Conditions:
Nonpapillary renal cell carcinoma. Identifiers: Orphanet 422526, MedGen CN074294, MONDO:0007763, OMIM 144700.
Hepatic adenomas, familial. Also called: HEPATIC ADENOMA, SOMATIC; LIVER CELL ADENOMAS, FAMILIAL. Identifiers: MedGen C1840646, MONDO:0007718, OMIM 142330.
Diabetes mellitus type 1 (T1D). Also called: Diabetes Mellitus, Juvenile-Onset; Type I diabetes mellitus. Identifiers: MedGen C0011854, MONDO:0005147, OMIM 222100, HP:0100651.
Type 1 diabetes mellitus 20 (T1D20). Also called: Diabetes mellitus, insulin-dependent, 20. Identifiers: MedGen C2675866, MONDO:0012919, OMIM 612520.
Maturity-onset diabetes of the young type 3. Also called: MODY type 3; MODY, type III. Identifiers: Orphanet 552, MedGen C1838100, MeSH C563933, MONDO:0010894, OMIM 600496. Disease mechanism: loss of function.
Type 2 diabetes mellitus. Also called: Type II diabetes mellitus. Identifiers: MedGen C0011860, MeSH D003924, MONDO:0005148, OMIM 125853, HP:0005978.

Allele frequency attached by ClinVar (database versions not stated): TOPMed below 0.00001; gnomAD exomes 0.00001.

Submissions (3):

Labcorp Genetics (formerly Invitae), Labcorp
Classification: Likely benign. Last evaluated: 2025-03-09. Review status: criteria provided, single submitter. Criteria: Invitae Variant Classification Sherloc (09022015). Collection method: clinical testing. Allele origin: germline.

Fulgent Genetics
Classification: Uncertain significance for Type 2 diabetes mellitus; Hepatic adenomas, familial; Nonpapillary renal cell carcinoma; Diabetes mellitus type 1; Maturity-onset diabetes of the young type 3; Type 1 diabetes mellitus 20. Last evaluated: 2024-04-02. Review status: criteria provided, single submitter. Criteria: ACMG Guidelines, 2015. Collection method: clinical testing. Allele origin: germline.

Women's Health and Genetics/Laboratory Corporation of America, LabCorp
Classification: Likely benign. Last evaluated: 2023-11-08. Review status: criteria provided, single submitter. Criteria: LabCorp Variant Classification Summary - May 2015. Collection method: clinical testing. Allele origin: germline.
Comment: Variant summary: HNF1A c.1309+16T>C alters a non-conserved nucleotide located at a position not widely known to affect splicing. Several computational tools predict a significant impact on normal splicing: Four predict the variant no significant impact on the canonical 5' donor site. Three predict the variant strengthens/creates a downstream cryptic 5' donor site. However, these predictions have yet to be confirmed by functional studies. The variant was absent in 248580 control chromosomes. The available data on variant occurrences in the general population are insufficient to allow any conclusion about variant significance. To our knowledge, no occurrence of c.1309+16T>C in individuals affected with Maturity Onset Diabetes Of The Young 3 and no experimental evidence demonstrating its impact on protein function have been reported. No submitters have cited clinical-significance assessments for this variant to ClinVar after 2014. Based on the evidence outlined above, the variant was classified as likely benign.